The following is an entry in ClinVar:

NM_006086.4(TUBB3):c.1303G>A (p.Glu435Lys)

Gene: TUBB3 (tubulin beta 3 class III; plus strand). Cytogenetic location: 16q24.3.
Variant type: single nucleotide variant.
Coding change: c.1303G>A on transcript NM_006086.4 (MANE Select); coding-DNA position 1303, G replaced by A.
Protein change: p.Glu435Lys; replaces glutamic acid 435 with lysine.
Molecular consequence: missense variant.
Genome position (GRCh38, 1-based): chr16:89,935,754, G>A. VCF-style: chr16-89935754-G-A. GRCh37 (hg19) VCF-style: chr16-90002162-G-A.
Other names: c.1087G>A, p.Glu363Lys (NM_001197181.2); short protein forms E363K, E435K.
Identifiers: ClinVar variation 2975699 (VCV002975699.3), dbSNP rs750288232, ClinGen allele CA8256238.

ClinVar aggregate classification (germline): Uncertain significance (1 of 4 stars; one submission).

Allele frequency attached by ClinVar (database versions not stated): gnomAD exomes below 0.00001; ExAC 0.00001; gnomAD 0.00001; TOPMed 0.00001.
gnomAD v4.1: 9 of 1,613,846 alleles (0.00056%); highest among the groups gnomAD compares: South Asian, 0.0022%; no homozygotes.

Submission:

Labcorp Genetics (formerly Invitae), Labcorp
Classification: Uncertain significance. Last evaluated: 2025-01-20. Review status: criteria provided, single submitter. Criteria: Invitae Variant Classification Sherloc (09022015). Collection method: clinical testing. Allele origin: germline.
Comment: This sequence change replaces glutamic acid, which is acidic and polar, with lysine, which is basic and polar, at codon 435 of the TUBB3 protein (p.Glu435Lys). This variant is present in population databases (rs750288232, gnomAD 0.003%). This variant has not been reported in the literature in individuals affected with TUBB3-related conditions. ClinVar contains an entry for this variant (Variation ID: 2975699). Experimental studies and prediction algorithms are not available or were not evaluated, and the functional significance of this variant is currently unknown. In summary, the available evidence is currently insufficient to determine the role of this variant in disease. Therefore, it has been classified as a Variant of Uncertain Significance.